The following is an entry in ClinVar:

ClinVar aggregate classification (germline): Uncertain significance. Review status: criteria provided, multiple submitters, no conflicts (2 of 4 stars). 2 submissions from 2 submitters: Uncertain significance (2). Last evaluated 2022-09-29.

Conditions:
Inborn genetic diseases. Identifiers: MedGen C0950123, MeSH D030342.

Allele frequency attached by ClinVar (database versions not stated): gnomAD exomes 0.00007; ExAC 0.00008; ESP Exome Variant Server 0.00008; 1000 Genomes Project 30x 0.00016.
gnomAD v4.1: 83 of 1,612,268 alleles (0.0051%); highest among the groups gnomAD compares: East Asian, 0.025%; no homozygotes.

Submissions (2):

Ambry Genetics
Classification: Uncertain significance for Inborn genetic diseases. Last evaluated: 2022-09-29. Review status: criteria provided, single submitter. Criteria: Ambry Variant Classification Scheme 2023. Collection method: clinical testing. Allele origin: germline.

GeneDx
Classification: Uncertain significance. Last evaluated: 2019-05-30. Review status: criteria provided, single submitter. Criteria: GeneDx Variant Classification Process June 2021. Collection method: clinical testing. Allele origin: germline. Affected: yes.
Comment: In silico analysis, which includes protein predictors and evolutionary conservation, supports a deleterious effect; Has not been previously published as pathogenic or benign to our knowledge

NM_001080453.3(INTS1):c.4970G>A (p.Arg1657His)

Gene: INTS1 (integrator complex subunit 1; minus strand). Cytogenetic location: 7p22.3.
Variant type: single nucleotide variant.
Coding change: c.4970G>A on transcript NM_001080453.3 (MANE Select); coding-DNA position 4970, G replaced by A.
Protein change: p.Arg1657His; replaces arginine 1657 with histidine.
Molecular consequence: missense variant.
Genome position (GRCh38, 1-based): chr7:1,476,887, C>T on the plus strand (G>A on the coding strand, the complement: INTS1 is on the minus strand). VCF-style: chr7-1476887-C-T. GRCh37 (hg19) VCF-style: chr7-1516523-C-T.
Other names: short protein forms R1657H.
Identifiers: ClinVar variation 1305884 (VCV001305884.4), dbSNP rs202023122, ClinGen allele CA4118629.
Genomic context (GRCh38, chr7:1,476,887, plus strand): 5'-ATGCACTGGTGCAGTGTGGGCCAGCTGGACTGATGCGTGAAGAGGGTCAGGAGGTAGGGA[C>T]GGAACGAGGGCACCTGGGCCTGACCTTTGCCCTGGGGAGGGAGGAAGAAGCCCGGATGGC-3'
Protein context (NP_001073922.2, residues 1647-1667): GKGQAQVPSF[Arg1657His]PYLLTLFTHQ